The following is an entry in ClinVar:

ClinVar aggregate classification (germline): Conflicting classifications of pathogenicity. Review status: criteria provided, conflicting classifications (1 of 4 stars). 2 submissions from 2 submitters: Pathogenic (1); Uncertain significance (1). Last evaluated 2026-01-21.

Conditions:
Hereditary cancer-predisposing syndrome. Also called: Tumor predisposition; Hereditary Cancer Syndrome; Neoplastic Syndromes, Hereditary; Hereditary neoplastic syndrome. Identifiers: Orphanet 140162, MedGen C0027672, MeSH D009386, MONDO:0015356.

gnomAD v4.1: 9 of 1,613,646 alleles (0.00056%); highest among the groups gnomAD compares: Non-Finnish European, 0.00076%; no homozygotes.

Submissions (2):

Ambry Genetics
Classification: Uncertain significance for Hereditary cancer-predisposing syndrome. Last evaluated: 2026-01-21. Review status: criteria provided, single submitter. Criteria: Ambry Variant Classification Scheme 2023. Collection method: clinical testing. Allele origin: germline.
Comment: The p.Y473* variant (also known as c.1419C>G), located in coding exon 14 of the POLE gene, results from a C to G substitution at nucleotide position 1419. This changes the amino acid from a tyrosine to a stop codon within coding exon 14. This alteration is expected to result in loss of function by premature protein truncation or nonsense-mediated mRNA decay. Although biallelic loss of function of POLE has been associated with autosomal recessive POLE deficiency, haploinsufficiency of POLE has not been established as a mechanism of disease for POLE-related polymerase proofreading-associated polyposis (PPAP) and POLE-related CMMRD-like syndrome. Based on the supporting evidence, this variant is expected to be causative of POLE deficiency when present along with a second pathogenic variant on the other allele; however, its clinical significance for PPAP and POLE-related CMMRD-like syndrome is unclear.

Labcorp Genetics (formerly Invitae), Labcorp
Classification: Pathogenic. Last evaluated: 2024-12-12. Review status: criteria provided, single submitter. Criteria: Invitae Variant Classification Sherloc (09022015). Collection method: clinical testing. Allele origin: germline.
Comment: This sequence change creates a premature translational stop signal (p.Tyr473*) in the POLE gene. It is expected to result in an absent or disrupted protein product. Loss-of-function variants in POLE are known to be pathogenic (PMID: 23230001, 25948378, 30503519). This variant is present in population databases (rs369961557, gnomAD 0.0009%). This variant has not been reported in the literature in individuals affected with POLE-related conditions. ClinVar contains an entry for this variant (Variation ID: 484534). For these reasons, this variant has been classified as Pathogenic.

Literature cited by the submitters: PubMed 23230001 (cited by Labcorp Genetics (formerly Invitae), Labcorp); PubMed 25948378 (cited by Labcorp Genetics (formerly Invitae), Labcorp); PubMed 30503519 (cited by Labcorp Genetics (formerly Invitae), Labcorp).

NM_006231.4(POLE):c.1419C>G (p.Tyr473Ter)

Gene: POLE (DNA polymerase epsilon, catalytic subunit; minus strand). Cytogenetic location: 12q24.33.
Variant type: single nucleotide variant.
Coding change: c.1419C>G on transcript NM_006231.4 (MANE Select); coding-DNA position 1419, C replaced by G.
Protein change: p.Tyr473Ter; replaces tyrosine 473 with a stop codon.
Molecular consequence: nonsense.
Genome position (GRCh38, 1-based): chr12:132,673,218, G>C on the plus strand (C>G on the coding strand, the complement: POLE is on the minus strand). VCF-style: chr12-132673218-G-C. GRCh37 (hg19) VCF-style: chr12-133249804-G-C.
Other names: short protein forms Y473*.
Identifiers: ClinVar variation 484534 (VCV000484534.8), dbSNP rs369961557, ClinGen allele CA6893962.